The following is an entry in ClinVar:

ClinVar aggregate classification (germline): Benign/Likely benign. Review status: criteria provided, multiple submitters, no conflicts (2 of 4 stars). 3 submissions from 3 submitters: Benign (1); Likely benign (2). Last evaluated 2025-12-17.

Conditions:
Retinitis pigmentosa (RP). Identifiers: Orphanet 791, MedGen C0035334, MeSH D012174, MONDO:0019200, OMIM 268000. Inheritance: Autosomal dominant, autosomal recessive and X linked inheritance.

Allele frequency attached by ClinVar (database versions not stated): gnomAD exomes 0.00011 and 0.00024; ExAC 0.00030; 1000 Genomes Project 30x 0.00031; 1000 Genomes Project 0.00040; ESP Exome Variant Server 0.00077; gnomAD 0.00093 and 0.00099; TOPMed 0.00098.
gnomAD v4.1: 315 of 1,614,088 alleles (0.02%); highest among the groups gnomAD compares: African/African-American, 0.33%; 1 homozygote.

Submissions (3):

Labcorp Genetics (formerly Invitae), Labcorp
Classification: Benign. Last evaluated: 2025-12-17. Review status: criteria provided, single submitter. Criteria: Invitae Variant Classification Sherloc (09022015). Collection method: clinical testing. Allele origin: germline.

Blueprint Genetics
Classification: Likely benign. Last evaluated: 2024-06-17. Review status: criteria provided, single submitter. Criteria: ACMG Guidelines, 2015. Collection method: clinical testing. Allele origin: germline.

Illumina Laboratory Services, Illumina
Classification: Likely benign for Retinitis pigmentosa. Last evaluated: 2018-01-13. Review status: criteria provided, single submitter. Criteria: ICSL Variant Classification Criteria 13 December 2019. Collection method: clinical testing. Allele origin: germline.
Comment: This variant was observed in the ICSL laboratory as part of a predisposition screen in an ostensibly healthy population. It had not been previously curated by ICSL or reported in the Human Gene Mutation Database (HGMD: prior to June 1st, 2018), and was therefore a candidate for classification through an automated scoring system. Utilizing variant allele frequency, disease prevalence and penetrance estimates, and inheritance mode, an automated score was calculated to assess if this variant is too frequent to cause the disease. Based on the score and internal cut-off values, a variant classified as likely benign is not then subjected to further curation. The score for this variant resulted in a classification of likely benign for this disease.

NM_006445.4(PRPF8):c.6227+8C>T

Gene: PRPF8 (pre-mRNA processing factor 8; minus strand). Cytogenetic location: 17p13.3.
Variant type: single nucleotide variant.
Coding change: c.6227+8C>T on transcript NM_006445.4 (MANE Select); 8 bases into the intron after coding-DNA position 6227, C replaced by T.
Molecular consequence: intron variant.
Genome position (GRCh38, 1-based): chr17:1,653,769, G>A on the plus strand (C>T on the coding strand, the complement: PRPF8 is on the minus strand). VCF-style: chr17-1653769-G-A. GRCh37 (hg19) VCF-style: chr17-1557063-G-A.
Identifiers: ClinVar variation 321877 (VCV000321877.15), dbSNP rs369076508, ClinGen allele CA8271245.
Genomic context (GRCh38, chr17:1,653,769, plus strand): 5'-ATCGCTCAGCCCAGCACCTTAGGTAGTGCAGCCGGCCTTTCCATCCCCACCCTCTTGCCC[G>A]ACAGTACCTGACCCTCCACTCAGTCTTGGATGAGAAAGTCTGGGTCTCATAGTTGCTGGT-3'